The following is an entry in ClinVar:

ClinVar aggregate classification (germline): Uncertain significance (1 of 4 stars; one submission).

gnomAD v4.1: 41 of 1,613,702 alleles (0.0025%); highest among the groups gnomAD compares: African/African-American, 0.0067%; no homozygotes.

Submission:

Labcorp Genetics (formerly Invitae), Labcorp
Classification: Uncertain significance. Last evaluated: 2025-08-01. Review status: criteria provided, single submitter. Criteria: Invitae Variant Classification Sherloc (09022015). Collection method: clinical testing. Allele origin: germline.
Comment: This sequence change replaces arginine, which is basic and polar, with tryptophan, which is neutral and slightly polar, at codon 76 of the RBFOX2 protein (p.Arg76Trp). This variant is present in population databases (no rsID available, gnomAD 0.002%). This variant has not been reported in the literature in individuals affected with RBFOX2-related conditions. An algorithm developed to predict the effect of missense changes on protein structure and function (PolyPhen-2) suggests that this variant is likely to be tolerated. In summary, the available evidence is currently insufficient to determine the role of this variant in disease. Therefore, it has been classified as a Variant of Uncertain Significance.

NM_001349999.2(RBFOX2):c.226C>T (p.Arg76Trp)

Gene: RBFOX2 (RNA binding fox-1 homolog 2; minus strand). Cytogenetic location: 22q12.3.
Variant type: single nucleotide variant.
Coding change: c.226C>T on transcript NM_001349999.2 (MANE Select); coding-DNA position 226, C replaced by T.
Protein change: p.Arg76Trp; replaces arginine 76 with tryptophan.
Molecular consequence: missense variant.
Genome position (GRCh38, 1-based): chr22:35,938,858, G>A on the plus strand (C>T on the coding strand, the complement: RBFOX2 is on the minus strand). VCF-style: chr22-35938858-G-A. GRCh37 (hg19) VCF-style: chr22-36334906-G-A.
Other names: c.226C>T, p.Arg76Trp (NM_001082578.4, NM_001082579.3, NM_001394108.1 and 7 more transcripts); c.82C>T, p.Arg28Trp (NM_001349982.2, NM_001349989.2, NM_001349990.2 and 5 more transcripts); short protein forms R76W, R28W.
Identifiers: ClinVar variation 4695778 (VCV004695778.1).
Genomic context (GRCh38, chr22:35,938,858, plus strand): 5'-AACACACCACACACATACATCATCTGAGTTACAAACAGCAGATACCAACCTGGCTGTCCC[G>A]CGCTGGGAATCCATGATAACCTGGAGTCAGAGGCTCGTTCTATGAGAAAGACAAGAAAAA-3'
Protein context (NP_001336928.2, residues 66-86): LTPGYHGFPA[Arg76Trp]DSQGNQEPTT